The following is an entry in ClinVar:

ClinVar aggregate classification (germline): Uncertain significance (1 of 4 stars; one submission).

Conditions:
Atrial fibrillation, familial, 14 (ATFB14). Identifiers: MedGen C3809312, MONDO:0014156, OMIM 615378.

Allele frequency attached by ClinVar (database versions not stated): gnomAD 0.00001; TOPMed 0.00002.
gnomAD v4.1: 9 of 1,614,100 alleles (0.00056%); highest among the groups gnomAD compares: Non-Finnish European, 0.00076%; no homozygotes.

Submission:

Labcorp Genetics (formerly Invitae), Labcorp
Classification: Uncertain significance for Atrial fibrillation, familial, 14. Last evaluated: 2024-12-19. Review status: criteria provided, single submitter. Criteria: Invitae Variant Classification Sherloc (09022015). Collection method: clinical testing. Allele origin: germline.
Comment: This sequence change replaces glutamic acid, which is acidic and polar, with aspartic acid, which is acidic and polar, at codon 31 of the SCN2B protein (p.Glu31Asp). This variant is present in population databases (rs767173208, gnomAD 0.004%). This variant has not been reported in the literature in individuals affected with SCN2B-related conditions. ClinVar contains an entry for this variant (Variation ID: 567878). An algorithm developed to predict the effect of missense changes on protein structure and function (PolyPhen-2) suggests that this variant is likely to be tolerated. In summary, the available evidence is currently insufficient to determine the role of this variant in disease. Therefore, it has been classified as a Variant of Uncertain Significance.

NM_004588.5(SCN2B):c.93G>T (p.Glu31Asp)

Gene: SCN2B (sodium voltage-gated channel beta subunit 2; minus strand). Cytogenetic location: 11q23.3.
Variant type: single nucleotide variant.
Coding change: c.93G>T on transcript NM_004588.5 (MANE Select); coding-DNA position 93, G replaced by T.
Protein change: p.Glu31Asp; replaces glutamic acid 31 with aspartic acid.
Molecular consequence: missense variant.
Genome position (GRCh38, 1-based): chr11:118,168,729, C>A on the plus strand (G>T on the coding strand, the complement: SCN2B is on the minus strand). VCF-style: chr11-118168729-C-A. GRCh37 (hg19) VCF-style: chr11-118039444-C-A.
Other names: short protein forms E31D.
Identifiers: ClinVar variation 567878 (VCV000567878.8), dbSNP rs767173208, ClinGen allele CA6300533.